The following is an entry in ClinVar:

NM_003924.4(PHOX2B):c.534T>C (p.Ser178=)

Gene: PHOX2B (paired like homeobox 2B; minus strand). Cytogenetic location: 4p13.
Variant type: single nucleotide variant.
Coding change: c.534T>C on transcript NM_003924.4 (MANE Select); coding-DNA position 534, T replaced by C.
Protein change: p.Ser178=; no amino-acid change (serine 178 retained).
Molecular consequence: synonymous variant.
Genome position (GRCh38, 1-based): chr4:41,746,218, A>G on the plus strand (T>C on the coding strand, the complement: PHOX2B is on the minus strand). VCF-style: chr4-41746218-A-G. GRCh37 (hg19) VCF-style: chr4-41748235-A-G.
Identifiers: ClinVar variation 4083933 (VCV004083933.8).

ClinVar aggregate classification (germline): Likely benign (1 of 4 stars; one submission).

Submission:

CeGaT Center for Human Genetics Tuebingen
Classification: Likely benign. Last evaluated: 2025-08-01. Review status: criteria provided, single submitter. Criteria: CeGaT Center For Human Genetics Tuebingen Variant Classification Criteria Version 2. Collection method: clinical testing. Allele origin: germline. Affected: yes. Observed: 1 variant allele.
Comment: PHOX2B: PM2:Supporting, BP4, BP7